The following is an entry in ClinVar:

NM_000535.7(PMS2):c.1084A>G (p.Met362Val)

Gene: PMS2 (PMS1 homolog 2, mismatch repair system component; minus strand). Cytogenetic location: 7p22.1.
Variant type: single nucleotide variant.
Coding change: c.1084A>G on transcript NM_000535.7 (MANE Select); coding-DNA position 1084, A replaced by G.
Protein change: p.Met362Val; replaces methionine 362 with valine.
Molecular consequence: missense variant. On other transcripts: non-coding transcript variant (1), intron variant (2).
Genome position (GRCh38, 1-based): chr7:5,989,860, T>C on the plus strand (A>G on the coding strand, the complement: PMS2 is on the minus strand). VCF-style: chr7-5989860-T-C. GRCh37 (hg19) VCF-style: chr7-6029491-T-C.
Other names: c.679A>G, p.Met227Val (NM_001322003.2, NM_001322004.2, NM_001322005.2 and 1 more transcripts); c.766A>G, p.Met256Val (NM_001322007.2, NM_001322008.2); c.151A>G, p.Met51Val (NM_001322011.2, NM_001322012.2); c.511A>G, p.Met171Val (NM_001322013.2); c.1084A>G, p.Met362Val (NM_001322014.2); c.775A>G, p.Met259Val (NM_001322015.2); c.583+2113A>G (NM_001322010.2); c.988+2113A>G (NM_001322006.2); short protein forms M362V, M259V, M171V, M227V, M256V, M51V.
Identifiers: ClinVar variation 480337 (VCV000480337.46), dbSNP rs876659797, ClinGen allele CA366742846.

ClinVar aggregate classification (germline): Uncertain significance. Review status: criteria provided, multiple submitters, no conflicts (2 of 4 stars). 5 submissions from 5 submitters: Uncertain significance (5). Last evaluated 2025-12-09.

Conditions:
Hereditary nonpolyposis colorectal neoplasms. Identifiers: MedGen C0009405, MeSH D003123.
Hereditary cancer-predisposing syndrome. Also called: Hereditary neoplastic syndrome; Tumor predisposition; Neoplastic Syndromes, Hereditary; Hereditary Cancer Syndrome. Identifiers: Orphanet 140162, MedGen C0027672, MeSH D009386, MONDO:0015356.
Lynch syndrome 4 (LYNCH4). Also called: Hereditary non-polyposis colorectal cancer, type 4; Colorectal cancer, hereditary nonpolyposis, type 4. Identifiers: Orphanet 144, MedGen C1838333, MONDO:0013699, OMIM 614337. Disease mechanism: loss of function.

Allele frequency attached by ClinVar (database versions not stated): TOPMed below 0.00001; gnomAD 0.00001; gnomAD exomes 0.00001.
gnomAD v4.1: 8 of 1,612,916 alleles (0.0005%); highest among the groups gnomAD compares: Non-Finnish European, 0.00068%; no homozygotes.

Submissions (5):

Labcorp Genetics (formerly Invitae), Labcorp
Classification: Uncertain significance for Hereditary nonpolyposis colorectal neoplasms. Last evaluated: 2025-12-09. Review status: criteria provided, single submitter. Criteria: Invitae Variant Classification Sherloc (09022015). Collection method: clinical testing. Allele origin: germline.
Comment: This sequence change replaces methionine, which is neutral and non-polar, with valine, which is neutral and non-polar, at codon 362 of the PMS2 protein (p.Met362Val). This variant is not present in population databases (gnomAD no frequency). This variant has not been reported in the literature in individuals affected with PMS2-related conditions. ClinVar contains an entry for this variant (Variation ID: 480337). Invitae Evidence Modeling incorporating data from in vitro experimental studies (internal data) indicates that this missense variant is not expected to disrupt PMS2 function with a negative predictive value of 95%. In summary, the available evidence is currently insufficient to determine the role of this variant in disease. Therefore, it has been classified as a Variant of Uncertain Significance.

Ambry Genetics
Classification: Uncertain significance for Hereditary cancer-predisposing syndrome. Last evaluated: 2024-09-12. Review status: criteria provided, single submitter. Criteria: Ambry Variant Classification Scheme 2023. Collection method: clinical testing. Allele origin: germline.
Comment: The p.M362V variant (also known as c.1084A>G), located in coding exon 10 of the PMS2 gene, results from an A to G substitution at nucleotide position 1084. The methionine at codon 362 is replaced by valine, an amino acid with highly similar properties. This amino acid position is well conserved in available vertebrate species. In addition, this alteration is predicted to be deleterious by in silico analysis. Since supporting evidence is limited at this time, the clinical significance of this alteration remains unclear.

Baylor Genetics
Classification: Uncertain significance for Lynch syndrome 4. Last evaluated: 2024-03-01. Review status: criteria provided, single submitter. Criteria: ACMG Guidelines, 2015. Collection method: clinical testing. Allele origin: unknown.

GeneDx
Classification: Uncertain significance. Last evaluated: 2023-06-14. Review status: criteria provided, single submitter. Criteria: GeneDx Variant Classification Process June 2021. Collection method: clinical testing. Allele origin: germline. Affected: yes.
Comment: Not observed at significant frequency in large population cohorts (gnomAD); In silico analysis supports that this missense variant does not alter protein structure/function; Has not been previously published as pathogenic or benign to our knowledge; This variant is associated with the following publications: (PMID: 11574484, 21155762, 24807215, 28228131)

CeGaT Center for Human Genetics Tuebingen
Classification: Uncertain significance. Last evaluated: 2021-10-01. Review status: criteria provided, single submitter. Criteria: CeGaT Center For Human Genetics Tuebingen Variant Classification Criteria Version 2. Collection method: clinical testing. Allele origin: germline. Affected: yes. Observed: 1 variant allele.